The following is an entry in ClinVar:

ClinVar aggregate classification (germline): Uncertain significance (1 of 4 stars; one submission).

Allele frequency attached by ClinVar (database versions not stated): ExAC 0.00002; TOPMed 0.00002; gnomAD 0.00004.
gnomAD v4.1: 31 of 1,613,940 alleles (0.0019%); highest among the groups gnomAD compares: African/African-American, 0.004%; no homozygotes.

Submission:

Labcorp Genetics (formerly Invitae), Labcorp
Classification: Uncertain significance. Last evaluated: 2023-12-18. Review status: criteria provided, single submitter. Criteria: Invitae Variant Classification Sherloc (09022015). Collection method: clinical testing. Allele origin: germline.
Comment: This sequence change replaces valine, which is neutral and non-polar, with methionine, which is neutral and non-polar, at codon 79 of the EIF2AK1 protein (p.Val79Met). The frequency data for this variant in the population databases is considered unreliable, as metrics indicate poor data quality at this position in the gnomAD database. This variant has not been reported in the literature in individuals affected with EIF2AK1-related conditions. ClinVar contains an entry for this variant (Variation ID: 2189352). An algorithm developed to predict the effect of missense changes on protein structure and function (PolyPhen-2) suggests that this variant is likely to be disruptive. In summary, the available evidence is currently insufficient to determine the role of this variant in disease. Therefore, it has been classified as a Variant of Uncertain Significance.

NM_014413.4(EIF2AK1):c.235G>A (p.Val79Met)

Gene: EIF2AK1 (eukaryotic translation initiation factor 2 alpha kinase 1; minus strand). Cytogenetic location: 7p22.1.
Variant type: single nucleotide variant.
Coding change: c.235G>A on transcript NM_014413.4 (MANE Select); coding-DNA position 235, G replaced by A.
Protein change: p.Val79Met; replaces valine 79 with methionine.
Molecular consequence: missense variant.
Genome position (GRCh38, 1-based): chr7:6,054,588, C>T on the plus strand (G>A on the coding strand, the complement: EIF2AK1 is on the minus strand). VCF-style: chr7-6054588-C-T. GRCh37 (hg19) VCF-style: chr7-6094219-C-T.
Other names: c.235G>A, p.Val79Met (NM_001134335.2); short protein forms V79M.
Identifiers: ClinVar variation 2189352 (VCV002189352.4), dbSNP rs752928861, ClinGen allele CA4151311.
Genomic context (GRCh38, chr7:6,054,588, plus strand): 5'-TCATTTATTCTTACTTACGCTTAAACACCTGTCTTGAACGAAGTGGGTTTGGTTCATGCA[C>T]GTGGCTCAAGTGCTCCAGCAAAGAAACCAGCAAGAGTTGGTTTGCAACTGCAAAAGGGAA-3'
Protein context (NP_055228.2, residues 69-89): LVSLLEHLSH[Val79Met]HEPNPLRSRQ